The following is an entry in ClinVar:

ClinVar aggregate classification (germline): Conflicting classifications of pathogenicity. Review status: criteria provided, conflicting classifications (1 of 4 stars). 3 submissions from 3 submitters: Uncertain significance (2); Likely benign (1). Last evaluated 2025-04-24.

Conditions:
SIX5-related disorder. Also called: SIX5-related condition.

Allele frequency attached by ClinVar (database versions not stated): gnomAD exomes below 0.00001; TOPMed below 0.00001.

Submissions (3):

Labcorp Genetics (formerly Invitae), Labcorp
Classification: Uncertain significance. Last evaluated: 2025-04-24. Review status: criteria provided, single submitter. Criteria: Invitae Variant Classification Sherloc (09022015). Collection method: clinical testing. Allele origin: germline.
Comment: This sequence change replaces proline, which is neutral and non-polar, with leucine, which is neutral and non-polar, at codon 513 of the SIX5 protein (p.Pro513Leu). This variant is not present in population databases (gnomAD no frequency). This variant has not been reported in the literature in individuals affected with SIX5-related conditions. ClinVar contains an entry for this variant (Variation ID: 1723637). Invitae Evidence Modeling of protein sequence and biophysical properties (such as structural, functional, and spatial information, amino acid conservation, physicochemical variation, residue mobility, and thermodynamic stability) indicates that this missense variant is not expected to disrupt SIX5 protein function with a negative predictive value of 80%. In summary, the available evidence is currently insufficient to determine the role of this variant in disease. Therefore, it has been classified as a Variant of Uncertain Significance.

PreventionGenetics, part of Exact Sciences
Classification: Uncertain significance for SIX5-related condition. Last evaluated: 2025-03-07. Review status: criteria provided, single submitter. Criteria: ACMG Guidelines, 2015. Collection method: clinical testing. Allele origin: germline.
Comment: The SIX5 c.1538C>T variant is predicted to result in the amino acid substitution p.Pro513Leu. To our knowledge, this variant has not been reported in the literature or in a large population database (gnomAD), indicating this variant is rare. At this time, the clinical significance of this variant is uncertain due to the absence of conclusive functional and genetic evidence.

GeneDx
Classification: Likely benign. Last evaluated: 2022-11-09. Review status: criteria provided, single submitter. Criteria: GeneDx Variant Classification Process June 2021. Collection method: clinical testing. Allele origin: germline. Affected: yes.
Comment: See Variant Classification Assertion Criteria.

NM_175875.5(SIX5):c.1538C>T (p.Pro513Leu)

Gene: SIX5 (SIX homeobox 5; minus strand). Cytogenetic location: 19q13.32.
Variant type: single nucleotide variant.
Coding change: c.1538C>T on transcript NM_175875.5 (MANE Select); coding-DNA position 1538, C replaced by T.
Protein change: p.Pro513Leu; replaces proline 513 with leucine.
Molecular consequence: missense variant.
Genome position (GRCh38, 1-based): chr19:45,766,421, G>A on the plus strand (C>T on the coding strand, the complement: SIX5 is on the minus strand). VCF-style: chr19-45766421-G-A. GRCh37 (hg19) VCF-style: chr19-46269679-G-A.
Other names: short protein forms P513L.
Identifiers: ClinVar variation 1723637 (VCV001723637.4), dbSNP rs1231217208, ClinGen allele CA406417511.